The following is an entry in ClinVar:

ClinVar aggregate classification (germline): Uncertain significance. Review status: criteria provided, multiple submitters, no conflicts (2 of 4 stars). 2 submissions from 2 submitters: Uncertain significance (2). Last evaluated 2025-10-23.

gnomAD v4.1: 21 of 1,433,250 alleles (0.0015%); highest among the groups gnomAD compares: Non-Finnish European, 0.0017%; no homozygotes.

Submissions (2):

Ambry Genetics
Classification: Uncertain significance. Last evaluated: 2025-10-23. Review status: criteria provided, single submitter. Criteria: Ambry Variant Classification Scheme 2023. Collection method: clinical testing. Allele origin: germline.

Labcorp Genetics (formerly Invitae), Labcorp
Classification: Uncertain significance. Last evaluated: 2025-10-04. Review status: criteria provided, single submitter. Criteria: Invitae Variant Classification Sherloc (09022015). Collection method: clinical testing. Allele origin: germline.
Comment: This sequence change replaces glycine, which is neutral and non-polar, with serine, which is neutral and polar, at codon 28 of the NLGN2 protein (p.Gly28Ser). This variant is not present in population databases (gnomAD no frequency). This variant has not been reported in the literature in individuals affected with NLGN2-related conditions. An algorithm developed to predict the effect of missense changes on protein structure and function outputs the following: PolyPhen-2: "Not Available". The serine amino acid residue is found in multiple mammalian species, which suggests that this missense change does not adversely affect protein function. In summary, the available evidence is currently insufficient to determine the role of this variant in disease. Therefore, it has been classified as a Variant of Uncertain Significance.

NM_020795.4(NLGN2):c.82G>A (p.Gly28Ser)

Gene: NLGN2 (neuroligin 2; plus strand). Cytogenetic location: 17p13.1.
Variant type: single nucleotide variant.
Coding change: c.82G>A on transcript NM_020795.4 (MANE Select); coding-DNA position 82, G replaced by A.
Protein change: p.Gly28Ser; replaces glycine 28 with serine.
Molecular consequence: missense variant.
Genome position (GRCh38, 1-based): chr17:7,408,337, G>A. VCF-style: chr17-7408337-G-A. GRCh37 (hg19) VCF-style: chr17-7311656-G-A.
Other names: short protein forms G28S.
Identifiers: ClinVar variation 4557950 (VCV004557950.2).